The following is an entry in ClinVar:

ClinVar aggregate classification (germline): Uncertain significance (1 of 4 stars; one submission).

Conditions:
Hypogonadotropic hypogonadism 2 with or without anosmia (HH2). Also called: HYPOGONADOTROPIC HYPOGONADISM 2 WITH OR WITHOUT ANOSMIA, SUSCEPTIBILITY TO; HYPOGONADOTROPIC HYPOGONADISM 2 WITHOUT ANOSMIA, SUSCEPTIBILITY TO; FGFR1-Related GnRH Deficiency (Kallmann Syndrome 2); HYPOGONADOTROPIC HYPOGONADISM 2 WITHOUT ANOSMIA. Identifiers: Orphanet 478, MedGen C1563720, MONDO:0007844, OMIM 147950. Disease mechanism: loss of function.
Pfeiffer syndrome (ACS5). Also called: ACS V. Identifiers: Orphanet 710, MedGen C0220658, MONDO:0007043, OMIM 101600.

Allele frequency attached by ClinVar (database versions not stated): gnomAD exomes 0.00001 and 0.00002.
gnomAD v4.1: 3 of 1,575,820 alleles (0.00019%); highest among the groups gnomAD compares: East Asian, 0.0071%; no homozygotes.

Submission:

Labcorp Genetics (formerly Invitae), Labcorp
Classification: Uncertain significance for Pfeiffer syndrome; Hypogonadotropic hypogonadism 2 with or without anosmia. Last evaluated: 2023-05-22. Review status: criteria provided, single submitter. Criteria: Invitae Variant Classification Sherloc (09022015). Collection method: clinical testing. Allele origin: germline.
Comment: Advanced modeling of protein sequence and biophysical properties (such as structural, functional, and spatial information, amino acid conservation, physicochemical variation, residue mobility, and thermodynamic stability) has been performed at Invitae for this missense variant, however the output from this modeling did not meet the statistical confidence thresholds required to predict the impact of this variant on FGFR1 protein function. In summary, the available evidence is currently insufficient to determine the role of this variant in disease. Therefore, it has been classified as a Variant of Uncertain Significance. This variant is present in population databases (no rsID available, gnomAD 0.02%). This variant has not been reported in the literature in individuals affected with FGFR1-related conditions. This sequence change replaces glycine, which is neutral and non-polar, with serine, which is neutral and polar, at codon 108 of the FGFR1 protein (p.Gly108Ser). ClinVar contains an entry for this variant (Variation ID: 1038021).

NM_023110.3(FGFR1):c.322G>A (p.Gly108Ser)

Gene: FGFR1 (fibroblast growth factor receptor 1; minus strand). Cytogenetic location: 8p11.23.
Variant type: single nucleotide variant.
Coding change: c.322G>A on transcript NM_023110.3 (MANE Select); coding-DNA position 322, G replaced by A.
Protein change: p.Gly108Ser; replaces glycine 108 with serine.
Molecular consequence: missense variant. On other transcripts: intron variant (5).
Genome position (GRCh38, 1-based): chr8:38,429,718, C>T on the plus strand (G>A on the coding strand, the complement: FGFR1 is on the minus strand). VCF-style: chr8-38429718-C-T. GRCh37 (hg19) VCF-style: chr8-38287236-C-T.
Other names: c.322G>A, p.Gly108Ser (NM_001174063.2, NM_001174065.2, NM_001354367.2 and 2 more transcripts); c.298G>A, p.Gly100Ser (NM_001174064.2); c.421G>A, p.Gly141Ser (NM_001174067.2); c.92-1283G>A (NM_001354368.2, NM_001354370.2, NM_023106.3 and 2 more transcripts); short protein forms G108S, G100S, G141S.
Identifiers: ClinVar variation 1038021 (VCV001038021.5), dbSNP rs1419947824, ClinGen allele CA370736202.